The following is an entry in ClinVar:

NM_006941.4(SOX10):c.500A>G (p.Asp167Gly)

Genes: POLR2F (RNA polymerase II, I and III subunit F; plus strand), SOX10 (SRY-box transcription factor 10; minus strand). Cytogenetic location: 22q13.1.
Variant type: single nucleotide variant.
Coding change: c.500A>G on transcript NM_006941.4 (MANE Select); coding-DNA position 500, A replaced by G.
Protein change: p.Asp167Gly; replaces aspartic acid 167 with glycine.
Molecular consequence: missense variant. On other transcripts: intron variant (3).
Genome position (GRCh38, 1-based): chr22:37,978,064, T>C on the plus strand (A>G on the coding strand, the complement: SOX10 is on the minus strand). VCF-style: chr22-37978064-T-C. GRCh37 (hg19) VCF-style: chr22-38374071-T-C.
Other names: c.*38+5754T>C (NM_001363825.1); c.294-8090T>C (NM_001301130.2); c.293+10894T>C (NM_001301131.2); short protein forms D167G.
Identifiers: ClinVar variation 2446222 (VCV002446222.1), dbSNP rs2518046913, ClinGen allele CA411497902.

ClinVar aggregate classification (germline): Uncertain significance (1 of 4 stars; one submission).

Allele frequency attached by ClinVar (database versions not stated): gnomAD exomes below 0.00001.
gnomAD v4.1: 1 of 1,609,916 alleles (0.000062%); highest among the groups gnomAD compares: East Asian, 0.0022%; no homozygotes.

Submission:

GeneDx
Classification: Uncertain significance. Last evaluated: 2022-09-21. Review status: criteria provided, single submitter. Criteria: GeneDx Variant Classification Process June 2021. Collection method: clinical testing. Allele origin: germline. Affected: yes.
Comment: Not observed at significant frequency in large population cohorts (gnomAD); In silico analysis supports that this missense variant has a deleterious effect on protein structure/function; Has not been previously published as pathogenic or benign to our knowledge